The following is an entry in ClinVar:

ClinVar aggregate classification (germline): Conflicting classifications of pathogenicity. Review status: criteria provided, conflicting classifications (1 of 4 stars). 4 submissions from 4 submitters: Uncertain significance (3); Likely benign (1). Last evaluated 2024-06-05.

Conditions:
Cardiovascular phenotype. Identifiers: MedGen CN230736.
Brittle cornea syndrome 1 (BCS1). Also called: CORNEAL FRAGILITY, KERATOGLOBUS, BLUE SCLERAE, JOINT HYPEREXTENSIBILITY; EDS6B; FRAGILITAS OCULI WITH JOINT HYPEREXTENSIBILITY; Corneal fragility keratoglobus, blue sclerae AND joint hypermobility; DYSGENESIS MESODERMALIS CORNEAE ET SCLERAE. Identifiers: Orphanet 90354, MedGen C0268344, MONDO:0024543, OMIM 229200.

Allele frequency attached by ClinVar (database versions not stated): gnomAD 0.00001; gnomAD exomes 0.00002 and 0.00004; TOPMed 0.00002; ExAC 0.00010; 1000 Genomes Project 30x 0.00016; 1000 Genomes Project 0.00020.
gnomAD v4.1: 36 of 1,550,386 alleles (0.0023%); highest among the groups gnomAD compares: Middle Eastern, 0.017%; no homozygotes.

Submissions (4):

Ambry Genetics
Classification: Likely benign for Cardiovascular phenotype. Last evaluated: 2024-06-05. Review status: criteria provided, single submitter. Criteria: Ambry Variant Classification Scheme 2023. Collection method: clinical testing. Allele origin: germline.

Labcorp Genetics (formerly Invitae), Labcorp
Classification: Uncertain significance. Last evaluated: 2022-07-24. Review status: criteria provided, single submitter. Criteria: Invitae Variant Classification Sherloc (09022015). Collection method: clinical testing. Allele origin: germline.
Comment: This sequence change replaces arginine, which is basic and polar, with glutamine, which is neutral and polar, at codon 1738 of the ZNF469 protein (p.Arg1738Gln). This variant is present in population databases (rs571207087, gnomAD 0.02%). This variant has not been reported in the literature in individuals affected with ZNF469-related conditions. ClinVar contains an entry for this variant (Variation ID: 1029105). Algorithms developed to predict the effect of missense changes on protein structure and function output the following: SIFT: "Tolerated"; PolyPhen-2: "Benign"; Align-GVGD: "Class C0". The glutamine amino acid residue is found in multiple mammalian species, which suggests that this missense change does not adversely affect protein function. In summary, the available evidence is currently insufficient to determine the role of this variant in disease. Therefore, it has been classified as a Variant of Uncertain Significance.

GeneDx
Classification: Uncertain significance. Last evaluated: 2020-08-28. Review status: criteria provided, single submitter. Criteria: GeneDx Variant Classification Process June 2021. Collection method: clinical testing. Allele origin: germline. Affected: yes.
Comment: In silico analysis supports that this missense variant does not alter protein structure/function; Has not been previously published as pathogenic or benign to our knowledge

Baylor Genetics
Classification: Uncertain significance for Brittle cornea syndrome 1. Last evaluated: 2020-02-26. Review status: criteria provided, single submitter. Criteria: ACMG Guidelines, 2015. Collection method: clinical testing. Allele origin: unknown. Affected: yes.
Comment: This variant was determined to be of uncertain significance according to ACMG Guidelines, 2015 [PMID:25741868].

NM_001367624.2(ZNF469):c.5297G>A (p.Arg1766Gln)

Gene: ZNF469 (zinc finger protein 469; plus strand). Cytogenetic location: 16q24.2.
Variant type: single nucleotide variant.
Coding change: c.5297G>A on transcript NM_001367624.2 (MANE Select); coding-DNA position 5297, G replaced by A.
Protein change: p.Arg1766Gln; replaces arginine 1766 with glutamine.
Molecular consequence: missense variant.
Genome position (GRCh38, 1-based): chr16:88,432,767, G>A. VCF-style: chr16-88432767-G-A. GRCh37 (hg19) VCF-style: chr16-88499175-G-A.
Other names: NM_001127464.1:c.5213G>A; short protein forms R1766Q.
Identifiers: ClinVar variation 1029105 (VCV001029105.6), dbSNP rs571207087, ClinGen allele CA8225064.